The following is an entry in ClinVar:

NM_000540.3(RYR1):c.8692+137T>C

Gene: RYR1 (ryanodine receptor 1; plus strand). Cytogenetic location: 19q13.2.
Variant type: single nucleotide variant.
Coding change: c.8692+137T>C on transcript NM_000540.3 (MANE Select); 137 bases into the intron after coding-DNA position 8692, T replaced by C.
Molecular consequence: intron variant.
Genome position (GRCh38, 1-based): chr19:38,506,683, T>C. VCF-style: chr19-38506683-T-C. GRCh37 (hg19) VCF-style: chr19-38997323-T-C.
Other names: c.8692+137T>C (NM_001042723.2).
Identifiers: ClinVar variation 590617 (VCV000590617.4), dbSNP rs2915957, ClinGen allele CA14715181.

ClinVar aggregate classification (germline): Benign. Review status: criteria provided, multiple submitters, no conflicts (2 of 4 stars). 4 submissions from 4 submitters: Benign (4). Last evaluated 2024-11-28.

Allele frequency attached by ClinVar (database versions not stated): gnomAD 0.32156 and 0.32641; TOPMed 0.33268; 1000 Genomes Project 30x 0.40256; 1000 Genomes Project 0.40615.
gnomAD v4.1: 408,155 of 1,474,534 alleles (28%); highest among the groups gnomAD compares: South Asian, 45%; 60,376 homozygotes.

Submissions (4):

Blueprint Genetics
Classification: Benign. Last evaluated: 2024-11-28. Review status: criteria provided, single submitter. Criteria: ACMG Guidelines, 2015. Collection method: clinical testing. Allele origin: germline.

GeneDx
Classification: Benign. Last evaluated: 2018-06-14. Review status: criteria provided, single submitter. Criteria: GeneDx Variant Classification (06012015). Collection method: clinical testing. Allele origin: germline. Affected: yes.
Comment: This variant is considered likely benign or benign based on one or more of the following criteria: it is a conservative change, it occurs at a poorly conserved position in the protein, it is predicted to be benign by multiple in silico algorithms, and/or has population frequency not consistent with disease.

PreventionGenetics, part of Exact Sciences
Classification: Benign. Last evaluated: 2018-04-03. Review status: criteria provided, single submitter. Criteria: ACMG Guidelines, 2015. Collection method: clinical testing. Allele origin: germline.

Breakthrough Genomics
Classification: Benign. Review status: criteria provided, single submitter. Criteria: ACMG Guidelines, 2015. Collection method: not provided. Allele origin: germline. Inheritance: Autosomal recessive inheritance. Affected: yes.